The following is an entry in ClinVar:

NM_133497.4(KCNV2):c.1057G>C (p.Glu353Gln)

Gene: KCNV2 (potassium voltage-gated channel modifier subfamily V member 2; plus strand). Cytogenetic location: 9p24.2.
Variant type: single nucleotide variant.
Coding change: c.1057G>C on transcript NM_133497.4 (MANE Select); coding-DNA position 1057, G replaced by C.
Protein change: p.Glu353Gln; replaces glutamic acid 353 with glutamine.
Molecular consequence: missense variant.
Genome position (GRCh38, 1-based): chr9:2,718,796, G>C. VCF-style: chr9-2718796-G-C. GRCh37 (hg19) VCF-style: chr9-2718796-G-C.
Other names: short protein forms E353Q.
Identifiers: ClinVar variation 1398786 (VCV001398786.8), dbSNP rs369069912, ClinGen allele CA372801573.
Genomic context (GRCh38, chr9:2,718,796, plus strand): 5'-AGCGCCCTCAACCTGGTGGACCTGGTGGCCATCCTGCCGCTCTACCTTCAGCTGCTGCTC[G>C]AGTGCTTCACGGGCGAGGGCCACCAACGCGGCCAGACGGTGGGCAGCGTGGGTAAGGTGG-3'
Protein context (NP_598004.1, residues 343-363): ILPLYLQLLL[Glu353Gln]CFTGEGHQRG

ClinVar aggregate classification (germline): Uncertain significance (1 of 4 stars; one submission).

gnomAD v4.1: 1 of 1,610,706 alleles (0.000062%); highest among the groups gnomAD compares: Non-Finnish European, 0.000085%; no homozygotes.

Submission:

Labcorp Genetics (formerly Invitae), Labcorp
Classification: Uncertain significance. Last evaluated: 2022-08-31. Review status: criteria provided, single submitter. Criteria: Invitae Variant Classification Sherloc (09022015). Collection method: clinical testing. Allele origin: germline.
Comment: This variant is present in population databases (no rsID available, gnomAD 0.0009%). This variant has not been reported in the literature in individuals affected with KCNV2-related conditions. ClinVar contains an entry for this variant (Variation ID: 1398786). Algorithms developed to predict the effect of missense changes on protein structure and function (SIFT, PolyPhen-2, Align-GVGD) all suggest that this variant is likely to be disruptive. In summary, the available evidence is currently insufficient to determine the role of this variant in disease. Therefore, it has been classified as a Variant of Uncertain Significance. This sequence change replaces glutamic acid, which is acidic and polar, with glutamine, which is neutral and polar, at codon 353 of the KCNV2 protein (p.Glu353Gln).